The following is an entry in ClinVar:

NM_014283.5(SUCO):c.3271C>A (p.Pro1091Thr)

Gene: SUCO (SUN domain containing ossification factor; plus strand). Cytogenetic location: 1q24.3.
Variant type: single nucleotide variant.
Coding change: c.3271C>A on transcript NM_014283.5 (MANE Select); coding-DNA position 3271, C replaced by A.
Protein change: p.Pro1091Thr; replaces proline 1091 with threonine.
Molecular consequence: missense variant.
Genome position (GRCh38, 1-based): chr1:172,608,752, C>A. VCF-style: chr1-172608752-C-A. GRCh37 (hg19) VCF-style: chr1-172577892-C-A.
Other names: c.3271C>A (NM_014283.3); c.2158C>A, p.Pro720Thr (NM_001282750.2); c.1582C>A, p.Pro528Thr (NM_001282751.2); c.3724C>A, p.Pro1242Thr (NM_016227.4); short protein forms P1242T, P1091T, P720T, P528T.
Identifiers: ClinVar variation 2045221 (VCV002045221.7), dbSNP rs772799156, ClinGen allele CA1247315.

ClinVar aggregate classification (germline): Uncertain significance. Review status: criteria provided, multiple submitters, no conflicts (2 of 4 stars). 2 submissions from 2 submitters: Uncertain significance (2). Last evaluated 2025-12-16.

Allele frequency attached by ClinVar (database versions not stated): TOPMed 0.00011; ExAC 0.00012; gnomAD 0.00014; gnomAD exomes 0.00017.
gnomAD v4.1: 257 of 1,578,034 alleles (0.016%); highest among the groups gnomAD compares: Non-Finnish European, 0.021%; no homozygotes.

Submissions (2):

Ambry Genetics
Classification: Uncertain significance. Last evaluated: 2025-12-16. Review status: criteria provided, single submitter. Criteria: Ambry Variant Classification Scheme 2023. Collection method: clinical testing. Allele origin: germline.

Labcorp Genetics (formerly Invitae), Labcorp
Classification: Uncertain significance. Last evaluated: 2025-03-17. Review status: criteria provided, single submitter. Criteria: Invitae Variant Classification Sherloc (09022015). Collection method: clinical testing. Allele origin: germline.
Comment: This sequence change replaces proline, which is neutral and non-polar, with threonine, which is neutral and polar, at codon 1091 of the SUCO protein (p.Pro1091Thr). The frequency data for this variant in the population databases is considered unreliable, as metrics indicate poor data quality at this position in the gnomAD database. This variant has not been reported in the literature in individuals affected with SUCO-related conditions. ClinVar contains an entry for this variant (Variation ID: 2045221). An algorithm developed to predict the effect of missense changes on protein structure and function (PolyPhen-2) suggests that this variant is likely to be tolerated. In summary, the available evidence is currently insufficient to determine the role of this variant in disease. Therefore, it has been classified as a Variant of Uncertain Significance.